The following is an entry in ClinVar:

ClinVar aggregate classification (germline): Likely benign (1 of 4 stars; one submission).

Conditions:
Familial cancer of breast. Also called: Hereditary breast cancer; BREAST CANCER, FAMILIAL; hereditary breast carcinoma. Identifiers: Orphanet 227535, MedGen C0346153, MONDO:0016419, OMIM 114480. Disease mechanism: loss of function.

gnomAD v4.1: 1 of 1,522,420 alleles (0.000066%); highest among the groups gnomAD compares: Non-Finnish European, 0.000091%; no homozygotes.

Submission:

Myriad Genetics, Inc.
Classification: Likely benign for Familial cancer of breast. Last evaluated: 2024-10-04. Review status: criteria provided, single submitter. Criteria: Myriad Autosomal Dominant, Autosomal Recessive and X-Linked Classification Criteria (2023). Collection method: clinical testing. Allele origin: unknown.
Comment: This variant is considered likely benign. This variant is intronic and is not expected to impact mRNA splicing.

NM_007194.4(CHEK2):c.1009-19T>C

Gene: CHEK2 (checkpoint kinase 2; minus strand). Cytogenetic location: 22q12.1.
Variant type: single nucleotide variant.
Coding change: c.1009-19T>C on transcript NM_007194.4 (MANE Select); 19 bases into the intron before coding-DNA position 1009, T replaced by C.
Molecular consequence: intron variant.
Genome position (GRCh38, 1-based): chr22:28,697,006, A>G on the plus strand (T>C on the coding strand, the complement: CHEK2 is on the minus strand). VCF-style: chr22-28697006-A-G. GRCh37 (hg19) VCF-style: chr22-29092994-A-G.
Other names: c.808-19T>C (NM_001349956.3); c.1009-1133T>C (NM_145862.3); c.346-19T>C (NM_001257387.3, NM_001437942.1); c.1102-1133T>C (NM_001438295.1); c.1102-19T>C (NM_001438293.1); c.1138-1133T>C (NM_001438294.1); c.1138-19T>C (NM_001005735.3).
Identifiers: ClinVar variation 3772714 (VCV003772714.1).